The following is an entry in ClinVar:

ClinVar aggregate classification (germline): Conflicting classifications of pathogenicity. Review status: criteria provided, conflicting classifications (1 of 4 stars). 2 submissions from 2 submitters: Uncertain significance (1); Likely benign (1). Last evaluated 2025-06-12.

Conditions:
Lower urinary tract obstruction, congenital. Identifiers: MedGen C5231427, MONDO:0032833, OMIM 618612.

gnomAD v4.1: 170 of 1,613,782 alleles (0.011%); highest among the groups gnomAD compares: East Asian, 0.14%; no homozygotes.

Submissions (2):

Labcorp Genetics (formerly Invitae), Labcorp
Classification: Uncertain significance. Last evaluated: 2025-06-12. Review status: criteria provided, single submitter. Criteria: Invitae Variant Classification Sherloc (09022015). Collection method: clinical testing. Allele origin: germline.
Comment: This sequence change replaces methionine, which is neutral and non-polar, with valine, which is neutral and non-polar, at codon 539 of the BNC2 protein (p.Met539Val). This variant is present in population databases (rs747837768, gnomAD 0.03%). This missense change has been observed in individual(s) with hypospadias (PMID: 25605705). An algorithm developed to predict the effect of missense changes on protein structure and function (PolyPhen-2) suggests that this variant is likely to be tolerated. In summary, the available evidence is currently insufficient to determine the role of this variant in disease. Therefore, it has been classified as a Variant of Uncertain Significance.

Johns Hopkins Genomics, Johns Hopkins University
Classification: Likely benign for Lower urinary tract obstruction, congenital. Last evaluated: 2024-10-05. Review status: criteria provided, single submitter. Criteria: ACMG Guidelines, 2015. Collection method: clinical testing. Allele origin: germline.
Comment: This variant is classified as likely benign (PM2, BS2, BP4).

Literature cited by the submitters: PubMed 25605705 (cited by Labcorp Genetics (formerly Invitae), Labcorp and Johns Hopkins Genomics, Johns Hopkins University); PubMed 31051115 (cited by Johns Hopkins Genomics, Johns Hopkins University).

NM_017637.6(BNC2):c.1615A>G (p.Met539Val)

Gene: BNC2 (basonuclin zinc finger protein 2; minus strand). Cytogenetic location: 9p22.3.
Variant type: single nucleotide variant.
Coding change: c.1615A>G on transcript NM_017637.6 (MANE Select); coding-DNA position 1615, A replaced by G.
Protein change: p.Met539Val; replaces methionine 539 with valine.
Molecular consequence: missense variant.
Genome position (GRCh38, 1-based): chr9:16,436,579, T>C on the plus strand (A>G on the coding strand, the complement: BNC2 is on the minus strand). VCF-style: chr9-16436579-T-C. GRCh37 (hg19) VCF-style: chr9-16436577-T-C.
Other names: c.1489A>G, p.Met497Val (NM_001317939.2); c.1330A>G, p.Met444Val (NM_001317940.2); short protein forms M444V, M497V, M539V.
Identifiers: ClinVar variation 4280073 (VCV004280073.2).